The following is an entry in ClinVar:

ClinVar aggregate classification (germline): Pathogenic. Review status: criteria provided, multiple submitters, no conflicts (2 of 4 stars). 4 submissions from 4 submitters: Pathogenic (4). Last evaluated 2024-03-12.

Conditions:
Microcephaly, normal intelligence and immunodeficiency (NBS). Also called: Nijmegen breakage syndrome; Microcephaly with normal intelligence immunodeficiency and lymphoreticular malignancies; Nonsyndromal microcephaly autosomal recessive with normal intelligence; Seemanova syndrome 2; Immunodeficiency, microcephaly with normal intelligence; Ataxia telangiectasia variant V1. Identifiers: Orphanet 647, MedGen C0398791, MONDO:0009623, OMIM 251260.
Aplastic anemia. Identifiers: Orphanet 182040, Orphanet 88, MedGen C0002874, MONDO:0015909, OMIM 609135, HP:0001915.
Acute lymphoid leukemia (ALL). Also called: Acute lymphocytic leukemia; Leukemia, acute lymphoblastic, somatic; Lymphoblastic leukemia; Acute lymphoblastic leukemia. Identifiers: Orphanet 513, MedGen C0023449, MONDO:0004967, OMIM 613065, HP:0006721.
Hereditary cancer-predisposing syndrome. Also called: Hereditary Cancer Syndrome; Neoplastic Syndromes, Hereditary; Hereditary neoplastic syndrome; Tumor predisposition. Identifiers: Orphanet 140162, MedGen C0027672, MeSH D009386, MONDO:0015356.

Submissions (4):

Fulgent Genetics
Classification: Pathogenic for Microcephaly, normal intelligence and immunodeficiency; Aplastic anemia; Acute lymphoid leukemia. Last evaluated: 2024-03-12. Review status: criteria provided, single submitter. Criteria: ACMG Guidelines, 2015. Collection method: clinical testing. Allele origin: germline.

Labcorp Genetics (formerly Invitae), Labcorp
Classification: Pathogenic for Microcephaly, normal intelligence and immunodeficiency. Last evaluated: 2023-04-07. Review status: criteria provided, single submitter. Criteria: Invitae Variant Classification Sherloc (09022015). Collection method: clinical testing. Allele origin: germline.
Comment: This sequence change creates a premature translational stop signal (p.Tyr363*) in the NBN gene. It is expected to result in an absent or disrupted protein product. Loss-of-function variants in NBN are known to be pathogenic (PMID: 9590180, 16415040). This variant is not present in population databases (gnomAD no frequency). This premature translational stop signal has been observed in individual(s) with clinical features of Nijmegen breakage syndrome who were homozygous for the variant (PMID: 12447395, 15593232). ClinVar contains an entry for this variant (Variation ID: 818355). For these reasons, this variant has been classified as Pathogenic.

Genome-Nilou Lab
Classification: Pathogenic for Microcephaly, normal intelligence and immunodeficiency. Last evaluated: 2021-11-07. Review status: criteria provided, single submitter. Criteria: ACMG Guidelines, 2015. Collection method: clinical testing. Allele origin: germline. Affected: no.

Ambry Genetics
Classification: Pathogenic for Hereditary cancer-predisposing syndrome. Last evaluated: 2019-05-06. Review status: criteria provided, single submitter. Criteria: Ambry Variant Classification Scheme 2023. Collection method: clinical testing. Allele origin: germline.
Comment: The p.Y363* pathogenic mutation (also known as c.1089C>G), located in coding exon 9 of the NBN gene, results from a C to G substitution at nucleotide position 1089. This changes the amino acid from a tyrosine to a stop codon within coding exon 9. This alteration is expected to result in loss of function by premature protein truncation or nonsense-mediated mRNA decay. As such, this alteration is interpreted as a disease-causing mutation.

Literature cited by the submitters: PubMed 9590180 (cited by Labcorp Genetics (formerly Invitae), Labcorp); PubMed 16415040 (cited by Labcorp Genetics (formerly Invitae), Labcorp); PubMed 12447395 (cited by Labcorp Genetics (formerly Invitae), Labcorp); PubMed 15593232 (cited by Labcorp Genetics (formerly Invitae), Labcorp).

NM_002485.5(NBN):c.1089C>G (p.Tyr363Ter)

Gene: NBN (nibrin; minus strand). Cytogenetic location: 8q21.3.
Variant type: single nucleotide variant.
Coding change: c.1089C>G on transcript NM_002485.5 (MANE Select); coding-DNA position 1089, C replaced by G.
Protein change: p.Tyr363Ter; replaces tyrosine 363 with a stop codon.
Molecular consequence: nonsense.
Genome position (GRCh38, 1-based): chr8:89,958,760, G>C on the plus strand (C>G on the coding strand, the complement: NBN is on the minus strand). VCF-style: chr8-89958760-G-C. GRCh37 (hg19) VCF-style: chr8-90970988-G-C.
Other names: c.843C>G, p.Tyr281Ter (NM_001024688.3); short protein forms Y363*, Y281*.
Identifiers: ClinVar variation 818355 (VCV000818355.13), dbSNP rs121908974, ClinGen allele CA371656634.